The following is an entry in ClinVar:

ClinVar aggregate classification (germline): Uncertain significance (1 of 4 stars; one submission).

Conditions:
Noonan syndrome 9 (NS9). Identifiers: Orphanet 648, MedGen C4225282, MONDO:0014691, OMIM 616559.

Allele frequency attached by ClinVar (database versions not stated): gnomAD exomes below 0.00001.
gnomAD v4.1: 1 of 1,512,760 alleles (0.000066%); highest among the groups gnomAD compares: Non-Finnish European, 0.000089%; no homozygotes.

Submission:

Labcorp Genetics (formerly Invitae), Labcorp
Classification: Uncertain significance for Noonan syndrome 9. Last evaluated: 2025-03-05. Review status: criteria provided, single submitter. Criteria: Invitae Variant Classification Sherloc (09022015). Collection method: clinical testing. Allele origin: germline.
Comment: This sequence change replaces glutamic acid, which is acidic and polar, with aspartic acid, which is acidic and polar, at codon 14 of the SOS2 protein (p.Glu14Asp). This variant is not present in population databases (gnomAD no frequency). This variant has not been reported in the literature in individuals affected with SOS2-related conditions. ClinVar contains an entry for this variant (Variation ID: 2146101). Invitae Evidence Modeling of protein sequence and biophysical properties (such as structural, functional, and spatial information, amino acid conservation, physicochemical variation, residue mobility, and thermodynamic stability) indicates that this missense variant is not expected to disrupt SOS2 protein function with a negative predictive value of 95%. In summary, the available evidence is currently insufficient to determine the role of this variant in disease. Therefore, it has been classified as a Variant of Uncertain Significance.

NM_006939.4(SOS2):c.42G>T (p.Glu14Asp)

Genes: SOS2 (SOS Ras/Rho guanine nucleotide exchange factor 2; minus strand), LOC130055588 (ATAC-STARR-seq lymphoblastoid silent region 5718; plus strand). Cytogenetic location: 14q21.3.
Variant type: single nucleotide variant.
Coding change: c.42G>T on transcript NM_006939.4 (MANE Select); coding-DNA position 42, G replaced by T.
Protein change: p.Glu14Asp; replaces glutamic acid 14 with aspartic acid.
Molecular consequence: missense variant.
Genome position (GRCh38, 1-based): chr14:50,231,242, C>A on the plus strand (G>T on the coding strand, the complement: SOS2 is on the minus strand). VCF-style: chr14-50231242-C-A. GRCh37 (hg19) VCF-style: chr14-50697960-C-A.
Other names: c.42G>T, p.Glu14Asp (NM_001411020.1); short protein forms E14D.
Identifiers: ClinVar variation 2146101 (VCV002146101.4), dbSNP rs2503346950, ClinGen allele CA389657541.